The following is an entry in ClinVar:

ClinVar aggregate classification (germline): Uncertain significance. Review status: criteria provided, multiple submitters, no conflicts (2 of 4 stars). 5 submissions from 5 submitters: Uncertain significance (5). Last evaluated 2025-11-11.

Conditions:
Febrile seizures, familial, 1. Also called: FEB1. Identifiers: MedGen C1852577, MONDO:0007367, OMIM 121210.
ADGRV1-related disorder. Also called: ADGRV1-related condition; ADGRV1-related disorders.

Allele frequency attached by ClinVar (database versions not stated): TOPMed below 0.00001; gnomAD 0.00001; gnomAD exomes 0.00001.
gnomAD v4.1: 19 of 1,613,692 alleles (0.0012%); highest among the groups gnomAD compares: Middle Eastern, 0.033%; no homozygotes.

Submissions (5):

PreventionGenetics, part of Exact Sciences
Classification: Uncertain significance for ADGRV1-related condition. Last evaluated: 2025-11-11. Review status: criteria provided, single submitter. Criteria: ACMG Guidelines, 2015. Collection method: clinical testing. Allele origin: germline.
Comment: The ADGRV1 c.1093G>T variant is predicted to result in the amino acid substitution p.Asp365Tyr. To our knowledge, this variant has not been reported in the literature in individuals with ADGRV1-related disease or in a large population database, indicating that the variant is rare. At this time, the clinical significance of this variant is uncertain due to the absence of conclusive functional and genetic evidence.

Blueprint Genetics
Classification: Uncertain significance. Last evaluated: 2024-09-18. Review status: criteria provided, single submitter. Criteria: ACMG Guidelines, 2015. Collection method: clinical testing. Allele origin: germline.

Women's Health and Genetics/Laboratory Corporation of America, LabCorp
Classification: Uncertain significance. Last evaluated: 2024-07-15. Review status: criteria provided, single submitter. Criteria: LabCorp Variant Classification Summary - May 2015. Collection method: clinical testing. Allele origin: germline.
Comment: Variant summary: ADGRV1 c.1093G>T (p.Asp365Tyr) results in a non-conservative amino acid change located in the Na-Ca exchanger/integrin-beta4 domain of the encoded protein sequence. Four of five in-silico tools predict a damaging effect of the variant on protein function. The variant was absent in 249118 control chromosomes. The available data on variant occurrences in the general population are insufficient to allow any conclusion about variant significance. To our knowledge, no occurrence of c.1093G>T in individuals affected with Usher Syndrome and no experimental evidence demonstrating its impact on protein function have been reported. ClinVar contains an entry for this variant (Variation ID: 522916). Based on the evidence outlined above, the variant was classified as uncertain significance.

Labcorp Genetics (formerly Invitae), Labcorp
Classification: Uncertain significance. Last evaluated: 2022-08-16. Review status: criteria provided, single submitter. Criteria: Invitae Variant Classification Sherloc (09022015). Collection method: clinical testing. Allele origin: germline.
Comment: This sequence change replaces aspartic acid, which is acidic and polar, with tyrosine, which is neutral and polar, at codon 365 of the ADGRV1 protein (p.Asp365Tyr). This variant is present in population databases (rs372147148, gnomAD no frequency). This variant has not been reported in the literature in individuals affected with ADGRV1-related conditions. ClinVar contains an entry for this variant (Variation ID: 522916). Algorithms developed to predict the effect of missense changes on protein structure and function are either unavailable or do not agree on the potential impact of this missense change (SIFT: "Deleterious"; PolyPhen-2: "Benign"; Align-GVGD: "Class C25"). In summary, the available evidence is currently insufficient to determine the role of this variant in disease. Therefore, it has been classified as a Variant of Uncertain Significance.

Genomic Research Center, Shahid Beheshti University of Medical Sciences
Classification: Uncertain significance for Febrile seizures, familial, 1. Last evaluated: 2019-01-01. Review status: criteria provided, single submitter. Criteria: ACMG Guidelines, 2015. Collection method: clinical testing. Allele origin: inherited. Affected: yes.

NM_032119.4(ADGRV1):c.1093G>T (p.Asp365Tyr)

Gene: ADGRV1 (adhesion G protein-coupled receptor V1; plus strand). Cytogenetic location: 5q14.3.
Variant type: single nucleotide variant.
Coding change: c.1093G>T on transcript NM_032119.4 (MANE Select); coding-DNA position 1093, G replaced by T.
Protein change: p.Asp365Tyr; replaces aspartic acid 365 with tyrosine.
Molecular consequence: missense variant. On other transcripts: non-coding transcript variant (1).
Genome position (GRCh38, 1-based): chr5:90,627,631, G>T. VCF-style: chr5-90627631-G-T. GRCh37 (hg19) VCF-style: chr5-89923448-G-T.
Other names: short protein forms D365Y.
Identifiers: ClinVar variation 522916 (VCV000522916.9), dbSNP rs372147148, ClinGen allele CA121825546.